The following is an entry in ClinVar:

NM_002693.3(POLG):c.2014G>A (p.Glu672Lys)

Gene: POLG (DNA polymerase gamma, catalytic subunit; minus strand). Cytogenetic location: 15q26.1.
Variant type: single nucleotide variant.
Coding change: c.2014G>A on transcript NM_002693.3 (MANE Select); coding-DNA position 2014, G replaced by A.
Protein change: p.Glu672Lys; replaces glutamic acid 672 with lysine.
Molecular consequence: missense variant.
Genome position (GRCh38, 1-based): chr15:89,324,163, C>T on the plus strand (G>A on the coding strand, the complement: POLG is on the minus strand). VCF-style: chr15-89324163-C-T. GRCh37 (hg19) VCF-style: chr15-89867394-C-T.
Other names: c.2014G>A, p.Glu672Lys (NM_001126131.2); short protein forms E672K.
Identifiers: ClinVar variation 1363744 (VCV001363744.8), dbSNP rs779964885, ClinGen allele CA393757626.

ClinVar aggregate classification (germline): Uncertain significance (1 of 4 stars; one submission).

Conditions:
Progressive sclerosing poliodystrophy (MTDPS4A). Also called: NEURONAL DEGENERATION OF CHILDHOOD WITH LIVER DISEASE, PROGRESSIVE; Alpers Syndrome; ALPERS DIFFUSE DEGENERATION OF CEREBRAL GRAY MATTER WITH HEPATIC CIRRHOSIS; Alpers-Huttenlocher Syndrome; Mitochondrial DNA depletion syndrome 4A (Alpers type); Mitochondrial DNA Depletion Syndrome 4A. Identifiers: Orphanet 726, MedGen C0205710, MONDO:0008758, OMIM 203700.

Submission:

Labcorp Genetics (formerly Invitae), Labcorp
Classification: Uncertain significance for Progressive sclerosing poliodystrophy. Last evaluated: 2024-02-24. Review status: criteria provided, single submitter. Criteria: Invitae Variant Classification Sherloc (09022015). Collection method: clinical testing. Allele origin: germline.
Comment: This sequence change replaces glutamic acid, which is acidic and polar, with lysine, which is basic and polar, at codon 672 of the POLG protein (p.Glu672Lys). This variant is not present in population databases (gnomAD no frequency). This variant has not been reported in the literature in individuals affected with POLG-related conditions. ClinVar contains an entry for this variant (Variation ID: 1363744). Advanced modeling of protein sequence and biophysical properties (such as structural, functional, and spatial information, amino acid conservation, physicochemical variation, residue mobility, and thermodynamic stability) performed at Invitae indicates that this missense variant is not expected to disrupt POLG protein function with a negative predictive value of 95%. In summary, the available evidence is currently insufficient to determine the role of this variant in disease. Therefore, it has been classified as a Variant of Uncertain Significance.